The following is an entry in ClinVar:

ClinVar aggregate classification (germline): Uncertain significance (1 of 4 stars; one submission).

Conditions:
Focal dermal hypoplasia (FDH). Also called: Goltz syndrome. Identifiers: Orphanet 2092, MedGen C0016395, MONDO:0010592, OMIM 305600.

Submission:

Juno Genomics, Hangzhou Juno Genomics, Inc
Classification: Uncertain significance for Focal dermal hypoplasia. Review status: criteria provided, single submitter. Criteria: ACMG Guidelines, 2015. Collection method: clinical testing. Allele origin: germline. Affected: yes.
Comment: Absent from controls (or at extremely low frequency if recessive) in Genome Aggregation Database.;De novo (both maternity and paternity confirmed) in a patient with the disease and no family history.;Multiple lines of computational evidence support a deleterious effect on the gene or gene product.

NM_203475.3(PORCN):c.938T>C (p.Leu313Pro)

Gene: PORCN (porcupine O-acyltransferase; plus strand). Cytogenetic location: Xp11.23.
Variant type: single nucleotide variant.
Coding change: c.938T>C on transcript NM_203475.3 (MANE Select); coding-DNA position 938, T replaced by C.
Protein change: p.Leu313Pro; replaces leucine 313 with proline.
Molecular consequence: missense variant. On other transcripts: non-coding transcript variant (2).
Genome position (GRCh38, 1-based): chrX:48,514,617, T>C. VCF-style: chrX-48514617-T-C. GRCh37 (hg19) VCF-style: chrX-48373005-T-C.
Other names: c.923T>C, p.Leu308Pro (NM_203473.3); c.920T>C, p.Leu307Pro (NM_203474.1); c.692T>C, p.Leu231Pro (NM_001282167.2); c.1262T>C, p.Leu421Pro (NM_001441333.1); c.1244T>C, p.Leu415Pro (NM_001441334.1); c.1010T>C, p.Leu337Pro (NM_001441335.1); c.1097T>C, p.Leu366Pro (NM_001441336.1); c.905T>C, p.Leu302Pro (NM_022825.4); short protein forms L231P, L302P, L307P, L308P, L313P, L337P, L366P, L415P.
Identifiers: ClinVar variation 5019962 (VCV005019962.1).